The following is an entry in ClinVar:

NM_000048.4(ASL):c.1141G>C (p.Gly381Arg)

Gene: ASL (argininosuccinate lyase; plus strand). Cytogenetic location: 7q11.21.
Variant type: single nucleotide variant.
Coding change: c.1141G>C on transcript NM_000048.4 (MANE Select); coding-DNA position 1141, G replaced by C.
Protein change: p.Gly381Arg; replaces glycine 381 with arginine.
Molecular consequence: missense variant.
Genome position (GRCh38, 1-based): chr7:66,092,084, G>C. VCF-style: chr7-66092084-G-C. GRCh37 (hg19) VCF-style: chr7-65557071-G-C.
Other names: c.1141G>C, p.Gly381Arg (NM_001024943.2); c.1081G>C, p.Gly361Arg (NM_001024944.2); c.1063G>C, p.Gly355Arg (NM_001024946.2); short protein forms G381R, G355R, G361R.
Identifiers: ClinVar variation 432076 (VCV000432076.3), dbSNP rs1301059768, ClinGen allele CA367650653.

ClinVar aggregate classification (germline): Conflicting classifications of pathogenicity. Review status: criteria provided, conflicting classifications (1 of 4 stars). 2 submissions from 2 submitters: Likely pathogenic (1); Uncertain significance (1). Last evaluated 2023-10-04.

Allele frequency attached by ClinVar (database versions not stated): gnomAD 0.00001.
gnomAD v4.1: 2 of 1,611,600 alleles (0.00012%); highest among the groups gnomAD compares: African/African-American, 0.0013%; no homozygotes.

Submissions (2):

Women's Health and Genetics/Laboratory Corporation of America, LabCorp
Classification: Uncertain significance. Last evaluated: 2023-10-04. Review status: criteria provided, single submitter. Criteria: LabCorp Variant Classification Summary - May 2015. Collection method: clinical testing. Allele origin: germline.
Comment: Variant summary: ASL c.1141G>C (p.Gly381Arg) results in a non-conservative amino acid change located in the Argininosuccinate lyase, C-terminal (IPR029419) of the encoded protein sequence. Five of five in-silico tools predict a damaging effect of the variant on protein function. Consensus agreement among computation tools predict no significant impact on normal splicing. However, these predictions have yet to be confirmed by functional studies. The variant was absent in 248966 control chromosomes (gnomAD). The available data on variant occurrences in the general population are insufficient to allow any conclusion about variant significance. To our knowledge, no occurrence of c.1141G>C in individuals affected with Argininosuccinic Aciduria and no experimental evidence demonstrating its impact on protein function have been reported. One submitter has cited a clinical-significance assessment for this variant to ClinVar after 2014 and has classified the variant as likely pathogenic. Based on the evidence outlined above, the variant was classified as uncertain significance.

GeneDx
Classification: Likely pathogenic. Last evaluated: 2016-02-04. Review status: criteria provided, single submitter. Criteria: GeneDx Variant Classification (06012015). Collection method: clinical testing. Allele origin: germline. Affected: yes.
Comment: The G381R variant has not been published as a pathogenic variant, nor has it been reported as a benign variant to our knowledge. The G381R variant is a non-conservative amino acid substitution, which is likely to impact secondary protein structure as these residues differ in polarity, charge, size and/or other properties. This substitution occurs at a position that is conserved across species, and in silico analysis predicts this variant is probably damaging to the protein structure/function. Missense variants in nearby residues (R379C, K380D, M382R, R385C/H/L) have been reported in the Human Gene Mutation Database in association with ASA (Stenson et al., 2014), supporting the functional importance of this region of the protein. Therefore, this variant is likely pathogenic; however, the possibility that it is benign cannot be excluded.